The following is an entry in ClinVar:

NM_000059.4(BRCA2):c.5564C>G (p.Ser1855Ter)

Gene: BRCA2 (BRCA2 DNA repair associated; plus strand). Cytogenetic location: 13q13.1.
Variant type: single nucleotide variant.
Coding change: c.5564C>G on transcript NM_000059.4 (MANE Select); coding-DNA position 5564, C replaced by G.
Protein change: p.Ser1855Ter; replaces serine 1855 with a stop codon.
Molecular consequence: nonsense.
Genome position (GRCh38, 1-based): chr13:32,339,919, C>G. VCF-style: chr13-32339919-C-G. GRCh37 (hg19) VCF-style: chr13-32914056-C-G.
Other names: c.5564C>G, p.Ser1855Ter (NM_001406719.1, NM_001406720.1); short protein forms S1855*.
Identifiers: ClinVar variation 1748324 (VCV001748324.2), dbSNP rs886038125, ClinGen allele CA387785983.
Genomic context (GRCh38, chr13:32,339,919, plus strand): 5'-ATAATTTTGAGGTAGGGCCACCTGCATTTAGGATAGCCAGTGGTAAAATCGTTTGTGTTT[C>G]ACATGAAACAATTAAAAAAGTGAAAGACATATTTACAGACAGTTTCAGTAAAGTAATTAA-3'

ClinVar aggregate classification (germline): Pathogenic (1 of 4 stars; one submission).

Conditions:
Hereditary cancer-predisposing syndrome. Also called: Hereditary Cancer Syndrome; Hereditary neoplastic syndrome; Neoplastic Syndromes, Hereditary; Tumor predisposition. Identifiers: Orphanet 140162, MedGen C0027672, MeSH D009386, MONDO:0015356.

Allele frequency attached by ClinVar (database versions not stated): gnomAD exomes below 0.00001.
gnomAD v4.1: 1 of 1,606,814 alleles (0.000062%); highest among the groups gnomAD compares: South Asian, 0.0011%; no homozygotes.

Submission:

Ambry Genetics
Classification: Pathogenic for Hereditary cancer-predisposing syndrome. Last evaluated: 2020-02-04. Review status: criteria provided, single submitter. Criteria: Ambry Variant Classification Scheme 2023. Collection method: clinical testing. Allele origin: germline.
Comment: The p.S1855* pathogenic mutation (also known as c.5564C>G), located in coding exon 10 of the BRCA2 gene, results from a C to G substitution at nucleotide position 5564. This changes the amino acid from a serine to a stop codon within coding exon 10. While this exact alteration has not been reported in the literature, a different mutation resulting in the same stop codon (c.5564C>A) has been identified in a large, worldwide study of BRCA1/2 mutation positive families (Rebbeck TR et al. Hum. Mutat., 2018 05;39:593-620). In addition to the clinical data presented in the literature, this alteration is expected to result in loss of function by premature protein truncation or nonsense-mediated mRNA decay. As such, this alteration is interpreted as a disease-causing mutation.

Literature cited by the submitters: PubMed 29446198.